The following is an entry in ClinVar:

NM_001365999.1(SZT2):c.997C>G (p.Pro333Ala)

Gene: SZT2 (SZT2 subunit of KICSTOR complex; plus strand). Cytogenetic location: 1p34.2.
Variant type: single nucleotide variant.
Coding change: c.997C>G on transcript NM_001365999.1 (MANE Select); coding-DNA position 997, C replaced by G.
Protein change: p.Pro333Ala; replaces proline 333 with alanine.
Molecular consequence: missense variant.
Genome position (GRCh38, 1-based): chr1:43,419,851, C>G. VCF-style: chr1-43419851-C-G. GRCh37 (hg19) VCF-style: chr1-43885522-C-G.
Other names: p.Pro333Ala; c.997C>G, p.Pro333Ala (NM_015284.4); short protein forms P333A.
Identifiers: ClinVar variation 2637469 (VCV002637469.2), dbSNP rs773484115, ClinGen allele CA808310.

ClinVar aggregate classification (germline): Uncertain significance. Review status: criteria provided, multiple submitters, no conflicts (2 of 4 stars). 2 submissions from 2 submitters: Uncertain significance (2). Last evaluated 2025-06-19.

Allele frequency attached by ClinVar (database versions not stated): ExAC 0.00002; TOPMed below 0.00001.
gnomAD v4.1: 7 of 1,598,460 alleles (0.00044%); highest among the groups gnomAD compares: Non-Finnish European, 0.00042%; no homozygotes.

Submissions (2):

Mayo Clinic Laboratories, Mayo Clinic
Classification: Uncertain significance. Last evaluated: 2025-06-19. Review status: criteria provided, single submitter. Criteria: ACMG Guidelines, 2015. Collection method: clinical testing. Allele origin: germline. Observed: 2 variant alleles.
Comment: PP2, PM2_supporting

Women's Health and Genetics/Laboratory Corporation of America, LabCorp
Classification: Uncertain significance. Last evaluated: 2023-10-25. Review status: criteria provided, single submitter. Criteria: LabCorp Variant Classification Summary - May 2015. Collection method: clinical testing. Allele origin: germline.
Comment: Variant summary: C1orf84 c.997C>G (p.Pro333Ala) results in a non-conservative amino acid change in the encoded protein sequence. Two of four in-silico tools predict a benign effect of the variant on protein function. The variant allele was found at a frequency of 8.7e-06 in 229428 control chromosomes (gnomAD). The available data on variant occurrences in the general population are insufficient to allow any conclusion about variant significance. To our knowledge, no occurrence of c.997C>G in individuals affected with Early Infantile Epileptic Encephalopathy 18 and no experimental evidence demonstrating its impact on protein function have been reported. No submitters have cited clinical-significance assessments for this variant to ClinVar after 2014. Based on the evidence outlined above, the variant was classified as uncertain significance.